The following is an entry in ClinVar:

ClinVar aggregate classification (germline): Likely benign. Review status: criteria provided, multiple submitters, no conflicts (2 of 4 stars). 3 submissions from 3 submitters: Likely benign (3). Last evaluated 2025-12-01.

Allele frequency attached by ClinVar (database versions not stated): gnomAD exomes 0.00001 and 0.00006; TOPMed 0.00003; ExAC 0.00005.
gnomAD v4.1: 15 of 1,613,704 alleles (0.00093%); highest among the groups gnomAD compares: Admixed American, 0.025%; no homozygotes.

Submissions (3):

CeGaT Center for Human Genetics Tuebingen
Classification: Likely benign. Last evaluated: 2025-12-01. Review status: criteria provided, single submitter. Criteria: CeGaT Center For Human Genetics Tuebingen Variant Classification Criteria Version 2. Collection method: clinical testing. Allele origin: germline. Affected: yes. Observed: 1 variant allele.
Comment: ITPR1: BP4, BP7

Labcorp Genetics (formerly Invitae), Labcorp
Classification: Likely benign. Last evaluated: 2025-08-11. Review status: criteria provided, single submitter. Criteria: Invitae Variant Classification Sherloc (09022015). Collection method: clinical testing. Allele origin: germline.

GeneDx
Classification: Likely benign. Last evaluated: 2020-09-17. Review status: criteria provided, single submitter. Criteria: GeneDx Variant Classification Process June 2021. Collection method: clinical testing. Allele origin: germline. Affected: yes.

NM_001378452.1(ITPR1):c.4542C>T (p.Arg1514=)

Gene: ITPR1 (inositol 1,4,5-trisphosphate receptor type 1; plus strand). Cytogenetic location: 3p26.1.
Variant type: single nucleotide variant.
Coding change: c.4542C>T on transcript NM_001378452.1 (MANE Select); coding-DNA position 4542, C replaced by T.
Protein change: p.Arg1514=; no amino-acid change (arginine 1514 retained).
Molecular consequence: synonymous variant.
Genome position (GRCh38, 1-based): chr3:4,702,835, C>T. VCF-style: chr3-4702835-C-T. GRCh37 (hg19) VCF-style: chr3-4744519-C-T.
Other names: c.4515C>T, p.Arg1505= (NM_001099952.4); c.4497C>T, p.Arg1499= (NM_001168272.2); c.4470C>T, p.Arg1490= (NM_002222.7).
Identifiers: ClinVar variation 746181 (VCV000746181.14), dbSNP rs770868001, ClinGen allele CA2232046.